The following is an entry in ClinVar:

ClinVar aggregate classification (germline): Likely benign (1 of 4 stars; one submission).

Allele frequency attached by ClinVar (database versions not stated): ExAC 0.00053; TOPMed 0.00091; gnomAD 0.00098; gnomAD exomes 0.00153.
gnomAD v4.1: 2,236 of 1,549,596 alleles (0.14%); highest among the groups gnomAD compares: Non-Finnish European, 0.18%; 3 homozygotes.

Submission:

CeGaT Center for Human Genetics Tuebingen
Classification: Likely benign. Last evaluated: 2022-07-01. Review status: criteria provided, single submitter. Criteria: CeGaT Center For Human Genetics Tuebingen Variant Classification Criteria Version 2. Collection method: clinical testing. Allele origin: germline. Affected: yes. Observed: 1 variant allele.
Comment: HMCN2: BP4, BP7

NM_001291815.2(HMCN2):c.14634C>T (p.Asn4878=)

Gene: HMCN2 (hemicentin 2; plus strand). Cytogenetic location: 9q34.11.
Variant type: single nucleotide variant.
Coding change: c.14634C>T on transcript NM_001291815.2 (MANE Select); coding-DNA position 14634, C replaced by T.
Protein change: p.Asn4878=; no amino-acid change (asparagine 4878 retained).
Molecular consequence: synonymous variant.
Genome position (GRCh38, 1-based): chr9:130,430,591, C>T. VCF-style: chr9-130430591-C-T. GRCh37 (hg19) VCF-style: chr9-133305978-C-T.
Identifiers: ClinVar variation 2659608 (VCV002659608.24), dbSNP rs545237452, ClinGen allele CA5282982.
Genomic context (GRCh38, chr9:130,430,591, plus strand): 5'-TCCCATGGCCCTGAGCAGTGTGGGCCGGGCCTGGTGCCCTCCTGGTTTCATCAGGCAGAA[C>T]GGAGTCTGCACAGGTAAGGCCAGGCCCTGACCATCCACGGGACACTGCCGTTATGGGCTC-3'
Protein context (NP_001278744.1, residues 4868-4888): AWCPPGFIRQ[Asn4878=]GVCTDLDECR